The following is an entry in ClinVar:

NM_000063.6(C2):c.2046A>G (p.Ala682=)

Gene: C2 (complement C2; plus strand). Cytogenetic location: 6p21.33.
Variant type: single nucleotide variant.
Coding change: c.2046A>G on transcript NM_000063.6 (MANE Select); coding-DNA position 2046, A replaced by G.
Protein change: p.Ala682=; no amino-acid change (alanine 682 retained).
Molecular consequence: synonymous variant.
Genome position (GRCh38, 1-based): chr6:31,944,996, A>G. VCF-style: chr6-31944996-A-G. GRCh37 (hg19) VCF-style: chr6-31912773-A-G.
Other names: p.Ala682=; c.1650A>G, p.Ala550= (NM_001145903.3); c.1404A>G, p.Ala468= (NM_001178063.3); c.1308A>G, p.Ala436= (NM_001282457.2); c.1959A>G, p.Ala653= (NM_001282458.2); c.2046A>G (NM_000063.5).
Identifiers: ClinVar variation 356258 (VCV000356258.38), dbSNP rs45507391, ClinGen allele CA3727871.

ClinVar aggregate classification (germline): Benign/Likely benign. Review status: criteria provided, multiple submitters, no conflicts (2 of 4 stars). 6 submissions from 6 submitters: Benign (3); Likely benign (2). 1 of the submissions does not count toward it. Last evaluated 2026-04-01.

Conditions:
C2-related disorder. Also called: C2-related disorders; C2-related condition.
Age related macular degeneration 14. Also called: MACULAR DEGENERATION, AGE-RELATED, 14, REDUCED RISK OF. Identifiers: MedGen C3809653, MONDO:0014207, OMIM 615489.
Complement component 2 deficiency (C2D). Also called: C2 deficiency. Identifiers: MedGen C0398756, MONDO:0009006, OMIM 217000.

Allele frequency attached by ClinVar (database versions not stated): ESP Exome Variant Server 0.00036; gnomAD exomes 0.00105 and 0.00297; TOPMed 0.00129; gnomAD 0.00154 and 0.00172; ExAC 0.00286; 1000 Genomes Project 30x 0.00297; 1000 Genomes Project 0.00359.
gnomAD v4.1: 1,835 of 1,613,054 alleles (0.11%); highest among the groups gnomAD compares: East Asian, 1.4%; 16 homozygotes.

Submissions (6):

CeGaT Center for Human Genetics Tuebingen
Classification: Likely benign. Last evaluated: 2026-04-01. Review status: criteria provided, single submitter. Criteria: CeGaT Center For Human Genetics Tuebingen Variant Classification Criteria Version 2. Collection method: clinical testing. Allele origin: germline. Affected: yes. Observed: 2 variant alleles.
Comment: C2: BP4, BP7, BS1

Labcorp Genetics (formerly Invitae), Labcorp
Classification: Benign. Last evaluated: 2026-02-01. Review status: criteria provided, single submitter. Criteria: Invitae Variant Classification Sherloc (09022015). Collection method: clinical testing. Allele origin: germline.

Mayo Clinic Laboratories, Mayo Clinic
Classification: Benign. Last evaluated: 2025-07-07. Review status: criteria provided, single submitter. Criteria: ACMG Guidelines, 2015. Collection method: clinical testing. Allele origin: germline. Observed: 2 variant alleles.
Comment: BS1, BS2, BP4, BP7

Fulgent Genetics
Classification: Likely benign for Complement component 2 deficiency; Age related macular degeneration 14. Last evaluated: 2021-10-12. Review status: criteria provided, single submitter. Criteria: ACMG Guidelines, 2015. Collection method: clinical testing. Allele origin: unknown.

Illumina Laboratory Services, Illumina
Classification: Benign for Age related macular degeneration 14. Last evaluated: 2018-01-13. Review status: criteria provided, single submitter. Criteria: ICSL Variant Classification Criteria 13 December 2019. Collection method: clinical testing. Allele origin: germline.
Comment: This variant was observed in the ICSL laboratory as part of a predisposition screen in an ostensibly healthy population. It had not been previously curated by ICSL or reported in the Human Gene Mutation Database (HGMD: prior to June 1st, 2018), and was therefore a candidate for classification through an automated scoring system. Utilizing variant allele frequency, disease prevalence and penetrance estimates, and inheritance mode, an automated score was calculated to assess if this variant is too frequent to cause the disease. Based on the score and internal cut-off values, a variant classified as benign is not then subjected to further curation. The score for this variant resulted in a classification of benign for this disease.

PreventionGenetics, part of Exact Sciences
Classification: Benign for C2-related condition. Last evaluated: 2019-06-12. Review status: no assertion criteria provided. Collection method: clinical testing. Allele origin: germline. Not counted in ClinVar's aggregate classification.
Comment: This variant is classified as benign based on ACMG/AMP sequence variant interpretation guidelines (Richards et al. 2015 PMID: 25741868, with internal and published modifications).